The following is an entry in ClinVar:

ClinVar aggregate classification (germline): Conflicting classifications of pathogenicity. Review status: criteria provided, conflicting classifications (1 of 4 stars). 4 submissions from 4 submitters: Uncertain significance (3); Likely benign (1). Last evaluated 2025-11-23.

Conditions:
Nephrolithiasis/nephrocalcinosis. Identifiers: MedGen CN580796.
Autosomal dominant hypocalcemia 1 (HYPOC1). Also called: HYPOCALCEMIA, FAMILIAL. Identifiers: MedGen C3715128, MONDO:0011013, OMIM 601198.
Familial hypocalciuric hypercalcemia (FHH). Also called: Familial benign hypercalcemia. Identifiers: Orphanet 405, MedGen C1809471, MONDO:0018458.
Neonatal severe primary hyperparathyroidism. Identifiers: Orphanet 417, MedGen C1832615, MONDO:0009397, OMIM 239200.
Familial hypocalciuric hypercalcemia 1. Also called: Hypercalcemia, familial benign type 1. Identifiers: Orphanet 405, Orphanet 93372, MedGen C0342637, MONDO:0007791, OMIM 145980.
Epilepsy, idiopathic generalized, susceptibility to, 8. Identifiers: MedGen C2752062, MONDO:0013032, OMIM 612899.

Allele frequency attached by ClinVar (database versions not stated): ExAC 0.00001.
gnomAD v4.1: 28 of 1,614,184 alleles (0.0017%); highest among the groups gnomAD compares: Admixed American, 0.005%; no homozygotes.

Submissions (4):

Labcorp Genetics (formerly Invitae), Labcorp
Classification: Likely benign for Familial hypocalciuric hypercalcemia; Autosomal dominant hypocalcemia 1. Last evaluated: 2025-11-23. Review status: criteria provided, single submitter. Criteria: Invitae Variant Classification Sherloc (09022015). Collection method: clinical testing. Allele origin: germline.

Women's Health and Genetics/Laboratory Corporation of America, LabCorp
Classification: Uncertain significance. Last evaluated: 2024-12-16. Review status: criteria provided, single submitter. Criteria: LabCorp Variant Classification Summary - May 2015. Collection method: clinical testing. Allele origin: germline.
Comment: Variant summary: CASR c.1622A>G (p.Asn541Ser) results in a conservative amino acid change in the encoded protein sequence. Four of five in-silico tools predict a damaging effect of the variant on protein function. The variant allele was found at a frequency of 1.2e-05 in 251488 control chromosomes. The available data on variant occurrences in the general population are insufficient to allow any conclusion about variant significance. To our knowledge, no occurrence of c.1622A>G in individuals affected with Autosomal Dominant Hypocalcemia and no experimental evidence demonstrating its impact on protein function have been reported. ClinVar contains an entry for this variant (Variation ID: 532578). Based on the evidence outlined above, the variant was classified as uncertain significance.

Ambry Genetics
Classification: Uncertain significance for Nephrolithiasis/nephrocalcinosis. Last evaluated: 2022-07-14. Review status: criteria provided, single submitter. Criteria: Ambry Variant Classification Scheme 2023. Collection method: clinical testing. Allele origin: germline.
Comment: The p.N541S variant (also known as c.1622A>G), located in coding exon 5 of the CASR gene, results from an A to G substitution at nucleotide position 1622. The asparagine at codon 541 is replaced by serine, an amino acid with highly similar properties. This amino acid position is well conserved in available vertebrate species. In addition, this alteration is predicted to be tolerated by in silico analysis. Since supporting evidence is limited at this time, the clinical significance of this alteration remains unclear.

Fulgent Genetics
Classification: Uncertain significance for Familial hypocalciuric hypercalcemia 1; Neonatal severe primary hyperparathyroidism; Autosomal dominant hypocalcemia 1; Epilepsy, idiopathic generalized, susceptibility to, 8. Last evaluated: 2022-05-10. Review status: criteria provided, single submitter. Criteria: ACMG Guidelines, 2015. Collection method: clinical testing. Allele origin: unknown.

NM_000388.4(CASR):c.1622A>G (p.Asn541Ser)

Gene: CASR (calcium sensing receptor; plus strand). Cytogenetic location: 3q21.1.
Variant type: single nucleotide variant.
Coding change: c.1622A>G on transcript NM_000388.4 (MANE Select); coding-DNA position 1622, A replaced by G.
Protein change: p.Asn541Ser; replaces asparagine 541 with serine.
Molecular consequence: missense variant.
Genome position (GRCh38, 1-based): chr3:122,282,126, A>G. VCF-style: chr3-122282126-A-G. GRCh37 (hg19) VCF-style: chr3-122000973-A-G.
Other names: c.1652A>G, p.Asn551Ser (NM_001178065.2); short protein forms N541S, N551S.
Identifiers: ClinVar variation 532578 (VCV000532578.15), dbSNP rs201202700, ClinGen allele CA2569715.
Genomic context (GRCh38, chr3:122,282,126, plus strand): 5'-TGACCCTACAACTACAGCCACTCACCTTTGTGCTGTCTGTCCTCCAGGTGCCCTTCTCCA[A>G]CTGCAGCCGAGACTGCCTGGCAGGGACCAGGAAAGGGATCATTGAGGGGGAGCCCACCTG-3'
Protein context (NP_000379.3, residues 531-551): SGFSREVPFS[Asn541Ser]CSRDCLAGTR